The following is an entry in ClinVar:

NM_182961.4(SYNE1):c.17576C>T (p.Pro5859Leu)

Gene: SYNE1 (spectrin repeat containing nuclear envelope protein 1; minus strand). Cytogenetic location: 6q25.2.
Variant type: single nucleotide variant.
Coding change: c.17576C>T on transcript NM_182961.4 (MANE Select); coding-DNA position 17576, C replaced by T.
Protein change: p.Pro5859Leu; replaces proline 5859 with leucine.
Molecular consequence: missense variant.
Genome position (GRCh38, 1-based): chr6:152,300,747, G>A on the plus strand (C>T on the coding strand, the complement: SYNE1 is on the minus strand). VCF-style: chr6-152300747-G-A. GRCh37 (hg19) VCF-style: chr6-152621882-G-A.
Other names: c.17363C>T, p.Pro5788Leu (NM_033071.5); short protein forms P5788L, P5859L.
Identifiers: ClinVar variation 948716 (VCV000948716.8), dbSNP rs769058871, ClinGen allele CA4055188.

ClinVar aggregate classification (germline): Uncertain significance. Review status: criteria provided, multiple submitters, no conflicts (2 of 4 stars). 2 submissions from 2 submitters: Uncertain significance (2). Last evaluated 2022-03-18.

Conditions:
Emery-Dreifuss muscular dystrophy 4, autosomal dominant (EDMD4). Also called: EMERY-DREIFUSS MUSCULAR DYSTROPHY 4 WITH VARIABLE FEATURES. Identifiers: Orphanet 261, MedGen C2751807, MONDO:0013071, OMIM 612998.
Autosomal recessive ataxia, Beauce type. Also called: SYNE1 Deficiency; Spinocerebellar ataxia, autosomal recessive 8; ATAXIA, RECESSIVE, OF BEAUCE; SYNE1-Related Autosomal Recessive Cerebellar Ataxia. Identifiers: Orphanet 88644, MedGen C1853116, MONDO:0012549, OMIM 610743.

Allele frequency attached by ClinVar (database versions not stated): ExAC 0.00001; gnomAD exomes 0.00002 and 0.00003; TOPMed 0.00002; gnomAD 0.00005 and 0.00006.
gnomAD v4.1: 39 of 1,614,204 alleles (0.0024%); highest among the groups gnomAD compares: Middle Eastern, 0.016%; no homozygotes.

Submissions (2):

Labcorp Genetics (formerly Invitae), Labcorp
Classification: Uncertain significance for Emery-Dreifuss muscular dystrophy 4, autosomal dominant; Autosomal recessive ataxia, Beauce type. Last evaluated: 2022-03-18. Review status: criteria provided, single submitter. Criteria: Invitae Variant Classification Sherloc (09022015). Collection method: clinical testing. Allele origin: germline.
Comment: This variant has not been reported in the literature in individuals affected with SYNE1-related conditions. In summary, the available evidence is currently insufficient to determine the role of this variant in disease. Therefore, it has been classified as a Variant of Uncertain Significance. Algorithms developed to predict the effect of missense changes on protein structure and function (SIFT, PolyPhen-2, Align-GVGD) all suggest that this variant is likely to be disruptive. ClinVar contains an entry for this variant (Variation ID: 948716). This variant is present in population databases (rs769058871, gnomAD 0.004%). This sequence change replaces proline, which is neutral and non-polar, with leucine, which is neutral and non-polar, at codon 5788 of the SYNE1 protein (p.Pro5788Leu).

Blueprint Genetics
Classification: Uncertain significance. Last evaluated: 2018-05-31. Review status: criteria provided, single submitter. Criteria: ACMG Guidelines, 2015. Collection method: clinical testing. Allele origin: germline.